The following is an entry in ClinVar:

NM_003000.3(SDHB):c.*6T>G

Gene: SDHB (succinate dehydrogenase complex iron sulfur subunit B; minus strand). Cytogenetic location: 1p36.13.
Variant type: single nucleotide variant.
Coding change: c.*6T>G on transcript NM_003000.3 (MANE Select); 6 bases downstream of the stop codon, T replaced by G.
Molecular consequence: 3 prime UTR variant.
Genome position (GRCh38, 1-based): chr1:17,018,875, A>C on the plus strand (T>G on the coding strand, the complement: SDHB is on the minus strand). VCF-style: chr1-17018875-A-C. GRCh37 (hg19) VCF-style: chr1-17345370-A-C.
Other names: c.*6T>G (NM_001407361.1).
Identifiers: ClinVar variation 3904440 (VCV003904440.2).

ClinVar aggregate classification (germline): Conflicting classifications of pathogenicity. Review status: criteria provided, conflicting classifications (1 of 4 stars). 2 submissions from 2 submitters: Uncertain significance (1); Benign (1). Last evaluated 2025-06-13.

Conditions:
Pheochromocytoma/paraganglioma syndrome 4. Also called: CAROTID BODY TUMORS AND MULTIPLE EXTRAADRENAL PHEOCHROMOCYTOMAS; PARAGANGLIOMA, FAMILIAL MALIGNANT; PARAGANGLIOMAS, HEREDITARY EXTRAADRENAL; PHEOCHROMOCYTOMA, FAMILIAL EXTRAADRENAL; Paragangliomas 4; SDHB-Related Hereditary Paraganglioma-Pheochromocytoma Syndrome (Paragangliomas 4). Identifiers: Orphanet 29072, MedGen C1861848, MONDO:0007273, OMIM 115310.
Hereditary pheochromocytoma and paraganglioma. Also called: Hereditary Paraganglioma-Pheochromocytoma Syndromes; Hereditary paragangliomas and pheochromocytomas; Hereditary pheochromocytoma-paraganglioma. Identifiers: Orphanet 29072, MedGen C4274332, MONDO:0017366.

gnomAD v4.1: 2 of 1,596,522 alleles (0.00013%); highest among the groups gnomAD compares: African/African-American, 0.0013%; no homozygotes.

Submissions (2):

Color Diagnostics, LLC DBA Color Health
Classification: Uncertain significance for Hereditary pheochromocytoma and paraganglioma. Last evaluated: 2025-06-13. Review status: criteria provided, single submitter. Criteria: ACMG Guidelines, 2015. Collection method: clinical testing. Allele origin: germline.
Comment: This variant is located in the 3' untranslated region of the SDHB gene. To our knowledge, functional studies have not been reported for this variant. This variant has not been reported in individuals affected with SDHB-related disorders in the literature. This variant has not been identified in the general population by the Genome Aggregation Database (gnomAD). The available evidence is insufficient to determine the role of this variant in disease conclusively. Therefore, this variant is classified as a Variant of Uncertain Significance.

Myriad Genetics, Inc.
Classification: Benign for Pheochromocytoma/paraganglioma syndrome 4. Last evaluated: 2025-03-13. Review status: criteria provided, single submitter. Criteria: Myriad Autosomal Dominant, Autosomal Recessive and X-Linked Classification Criteria (2023). Collection method: clinical testing. Allele origin: unknown.
Comment: This variant is considered benign. This variant occurs in the non-coding 3' untranslated region of the gene, and is not expected to impact protein function.